The following is an entry in ClinVar:

ClinVar aggregate classification (germline): Pathogenic (1 of 4 stars; one submission).

Submission:

GeneDx
Classification: Pathogenic. Last evaluated: 2016-11-17. Review status: criteria provided, single submitter. Criteria: GeneDx Variant Classification (06012015). Collection method: clinical testing. Allele origin: germline. Affected: yes.
Comment: The c.3894_3897dupAGGC variant has not been published as a pathogenic variant, nor has it been reported as a benign variant to our knowledge. It was not observed in approximately 6,500 individuals of European and African American ancestry in the NHLBI Exome Sequencing Project, indicating it is not a common benign variant in these populations. The c.3894_3897dupAGGC variant causes a frameshift starting with codon Glutamine 1300, changes this amino acid to an Arginine residue and creates a premature Stop codon at position 30 of the new reading frame, denoted p.Gln1300ArgfsX30. This variant is predicted to cause loss of normal protein function through protein truncation as the last 242 amino acids are replaced by 29 incorrect ones. Therefore, the c.3894_3897dupAGGC variant is considered pathogenic.

NM_015338.6(ASXL1):c.3894_3897dup (p.Gln1300fs)

Gene: ASXL1 (ASXL transcriptional regulator 1; plus strand). Cytogenetic location: 20q11.21.
Variant type: Duplication.
Coding change: c.3894_3897dup on transcript NM_015338.6 (MANE Select); coding-DNA positions 3894 to 3897, 4 bases duplicated (AGGC; older notation c.3894_3897dupAGGC).
Protein change: p.Gln1300fs; shifts the reading frame from glutamine 1300.
Molecular consequence: frameshift variant.
Genome position (GRCh38, 1-based): chr20:32,436,606-32,436,609, AGGC duplicated; duplicating any 4 consecutive bases within chr20:32,436,605-32,436,609 gives the same sequence; the c. name uses the placement nearest the transcript's 3' end. VCF-style (leftmost placement, unchanged base first): chr20-32436604-A-ACAGG. GRCh37 (hg19) VCF-style: chr20-31024407-A-ACAGG.
Other names: c.3711_3714dup, p.Gln1239fs (NM_001363734.1); c.3894_3897dupAGGC (NM_015338.5); short protein forms Q1239fs, Q1300fs.
Identifiers: ClinVar variation 373517 (VCV000373517.2), dbSNP rs1057518458, ClinGen allele CA16043209.